The following is an entry in ClinVar:

ClinVar aggregate classification (germline): Benign/Likely benign. Review status: criteria provided, multiple submitters, no conflicts (2 of 4 stars). 4 submissions from 4 submitters: Benign (3); Likely benign (1). Last evaluated 2025-09-01.

Allele frequency attached by ClinVar (database versions not stated): gnomAD exomes 0.00069 and 0.00147; ExAC 0.00170; gnomAD 0.00372 and 0.00394; TOPMed 0.00445; ESP Exome Variant Server 0.00474; 1000 Genomes Project 0.00519; 1000 Genomes Project 30x 0.00547.
gnomAD v4.1: 1,589 of 1,593,250 alleles (0.1%); highest among the groups gnomAD compares: African/African-American, 1.3%; 5 homozygotes.

Submissions (4):

Labcorp Genetics (formerly Invitae), Labcorp
Classification: Benign. Last evaluated: 2025-09-01. Review status: criteria provided, single submitter. Criteria: Invitae Variant Classification Sherloc (09022015). Collection method: clinical testing. Allele origin: germline.

Blueprint Genetics
Classification: Likely benign. Last evaluated: 2024-11-06. Review status: criteria provided, single submitter. Criteria: ACMG Guidelines, 2015. Collection method: clinical testing. Allele origin: germline.

GeneDx
Classification: Benign. Last evaluated: 2019-07-11. Review status: criteria provided, single submitter. Criteria: GeneDx Variant Classification Process June 2021. Collection method: clinical testing. Allele origin: germline. Affected: yes.

Laboratory for Molecular Medicine, Mass General Brigham Personalized Medicine
Classification: Benign. Last evaluated: 2017-08-23. Review status: criteria provided, single submitter. Criteria: LMM Criteria. Collection method: clinical testing. Allele origin: germline. Observed: 1 variant allele.
Comment: p.Ser593Ser in exon 14 of FAM65B: This variant is not expected to have clinical significance because it does not alter an amino acid residue, is not located wit hin the splice consensus sequence, and has been identified in 1.56% (151/9694) o f African chromosomes by the Exome Aggregation Consortium (ExAC; dbSNP rs148527955).

NM_001286445.3(RIPOR2):c.1716T>C (p.Ser572=)

Gene: RIPOR2 (RHO family interacting cell polarization regulator 2; minus strand). Cytogenetic location: 6p22.3.
Variant type: single nucleotide variant.
Coding change: c.1716T>C on transcript NM_001286445.3 (MANE Select); coding-DNA position 1716, T replaced by C.
Protein change: p.Ser572=; no amino-acid change (serine 572 retained).
Molecular consequence: synonymous variant.
Genome position (GRCh38, 1-based): chr6:24,843,003, A>G on the plus strand (T>C on the coding strand, the complement: RIPOR2 is on the minus strand). VCF-style: chr6-24843003-A-G. GRCh37 (hg19) VCF-style: chr6-24843231-A-G.
Other names: c.1731T>C, p.Ser577= (NM_001286446.3); c.1629T>C, p.Ser543= (NM_001286447.2, NM_001346031.2, NM_001346032.2 and 1 more transcripts); c.1779T>C, p.Ser593= (NM_014722.5).
Identifiers: ClinVar variation 509117 (VCV000509117.17), dbSNP rs148527955, ClinGen allele CA3659203.